The following is an entry in ClinVar:

NM_005982.4(SIX1):c.521A>G (p.Asn174Ser)

Genes: MIR9718 (microRNA 9718; plus strand), SIX1 (SIX homeobox 1; minus strand). Cytogenetic location: 14q23.1.
Variant type: single nucleotide variant.
Coding change: c.521A>G on transcript NM_005982.4 (MANE Select); coding-DNA position 521, A replaced by G.
Protein change: p.Asn174Ser; replaces asparagine 174 with serine.
Molecular consequence: missense variant. On other transcripts: non-coding transcript variant (1), intron variant (1).
Genome position (GRCh38, 1-based): chr14:60,648,669, T>C on the plus strand (A>G on the coding strand, the complement: SIX1 is on the minus strand). VCF-style: chr14-60648669-T-C. GRCh37 (hg19) VCF-style: chr14-61115387-T-C.
Other names: c.501+20A>G (NM_001425142.1); short protein forms N174S.
Identifiers: ClinVar variation 4813316 (VCV004813316.1).

ClinVar aggregate classification (germline): Uncertain significance (1 of 4 stars; one submission).

Conditions:
Monogenic hearing loss.

Submission:

Genetics Laboratory, Great Ormond Street Hospital NHS Foundation Trust, North Thames Genomic Laboratory Hub
Classification: Uncertain significance for Monogenic hearing loss. Last evaluated: 2026-01-12. Review status: criteria provided, single submitter. Criteria: ACGS Best Practice Guidelines for Variant Classification in Rare Disease 2024 v1.2. Collection method: clinical testing. Allele origin: germline. Affected: yes.
Comment: PM2_moderate, PP3_supporting, PM5_supporting